The following is an entry in ClinVar:

ClinVar aggregate classification (germline): Uncertain significance (1 of 4 stars; one submission).

Conditions:
Dyskeratosis congenita. Identifiers: Orphanet 1775, MedGen C0265965, MONDO:0015780.

Allele frequency attached by ClinVar (database versions not stated): TOPMed below 0.00001.

Submission:

Ambry Genetics
Classification: Uncertain significance for Dyskeratosis congenita. Last evaluated: 2023-12-02. Review status: criteria provided, single submitter. Criteria: Ambry Variant Classification Scheme 2023. Collection method: clinical testing. Allele origin: germline.
Comment: The p.L103V variant (also known as c.307C>G), located in coding exon 2 of the TERT gene, results from a C to G substitution at nucleotide position 307. The leucine at codon 103 is replaced by valine, an amino acid with highly similar properties. This amino acid position is conserved. In addition, the in silico prediction for this alteration is inconclusive. Since supporting evidence is limited at this time, the clinical significance of this alteration remains unclear.

NM_198253.3(TERT):c.307C>G (p.Leu103Val)

Gene: TERT (telomerase reverse transcriptase; minus strand). Cytogenetic location: 5p15.33.
Variant type: single nucleotide variant.
Coding change: c.307C>G on transcript NM_198253.3 (MANE Select); coding-DNA position 307, C replaced by G.
Protein change: p.Leu103Val; replaces leucine 103 with valine.
Molecular consequence: missense variant. On other transcripts: non-coding transcript variant (2).
Genome position (GRCh38, 1-based): chr5:1,294,579, G>C on the plus strand (C>G on the coding strand, the complement: TERT is on the minus strand). VCF-style: chr5-1294579-G-C. GRCh37 (hg19) VCF-style: chr5-1294694-G-C.
Other names: c.307C>G, p.Leu103Val (NM_001193376.3, NM_003219.1); short protein forms L103V.
Identifiers: ClinVar variation 3238592 (VCV003238592.1), dbSNP rs1751266743.
Genomic context (GRCh38, chr5:1,294,579, plus strand): 5'-GGTAGCTGCGCACGCTGGTGGTGAAGGCCTCGGGGGGGCCCCCGCGGGCCCCGTCCAGCA[G>C]CGCGAAGCCGAAGGCCAGCACGTTCTTCGCGCCGCGCTCGCACAGCCTCTGCAGCACTCG-3'
Protein context (NP_937983.2, residues 93-113): AKNVLAFGFA[Leu103Val]LDGARGGPPE